The following is an entry in ClinVar:

NM_000038.6(APC):c.1253A>G (p.Glu418Gly)

Gene: APC (APC regulator of Wnt signaling pathway; plus strand). Cytogenetic location: 5q22.2.
Variant type: single nucleotide variant.
Coding change: c.1253A>G on transcript NM_000038.6 (MANE Select); coding-DNA position 1253, A replaced by G.
Protein change: p.Glu418Gly; replaces glutamic acid 418 with glycine.
Molecular consequence: missense variant. On other transcripts: non-coding transcript variant (2).
Genome position (GRCh38, 1-based): chr5:112,819,285, A>G. VCF-style: chr5-112819285-A-G. GRCh37 (hg19) VCF-style: chr5-112154982-A-G.
Other names: c.773A>G, p.Glu258Gly (NM_001354905.2); c.404A>G, p.Glu135Gly (NM_001354906.2, NM_001407470.1); c.1283A>G, p.Glu428Gly (NM_001407446.1, NM_001354897.2); c.1253A>G, p.Glu418Gly (NM_001407447.1, NM_001407448.1, NM_001407449.1 and 4 more transcripts); c.1178A>G, p.Glu393Gly (NM_001407451.1, NM_001354898.2); c.1169A>G, p.Glu390Gly (NM_001407452.1, NM_001354899.2); c.1076A>G, p.Glu359Gly (NM_001407453.1, NM_001354900.2, NM_001354901.2); c.101A>G, p.Glu34Gly (NM_001407472.1, NM_001407471.1); and 5 more; short protein forms E400G, E289G, E292G, E317G, E359G, E428G, E135G, E390G.
Identifiers: ClinVar variation 5025115 (VCV005025115.1).

ClinVar aggregate classification (germline): Uncertain significance (1 of 4 stars; one submission).

Conditions:
Hereditary cancer-predisposing syndrome. Also called: Neoplastic Syndromes, Hereditary; Tumor predisposition; Hereditary neoplastic syndrome; Hereditary Cancer Syndrome. Identifiers: Orphanet 140162, MedGen C0027672, MeSH D009386, MONDO:0015356.

Submission:

Ambry Genetics
Classification: Uncertain significance for Hereditary cancer-predisposing syndrome. Last evaluated: 2026-07-07. Review status: criteria provided, single submitter. Criteria: Ambry Variant Classification Scheme 2023. Collection method: clinical testing. Allele origin: germline.
Comment: The p.E418G variant (also known as c.1253A>G), located in coding exon 9 of the APC gene, results from an A to G substitution at nucleotide position 1253. The glutamic acid at codon 418 is replaced by glycine, an amino acid with similar properties. This amino acid position is conserved. In addition, in silico predictors for this gene do not accurately predict pathogenicity. Based on the available evidence, the clinical significance of this variant remains unclear.